The following is an entry in ClinVar:

ClinVar aggregate classification (germline): Benign. Review status: criteria provided, multiple submitters, no conflicts (2 of 4 stars). 4 submissions from 4 submitters: Benign (2). 2 of the submissions do not count toward it. Last evaluated 2018-01-12.

Conditions:
Glomuvenous malformation. Also called: GLOMANGIOMAS, MULTIPLE; GLOMUS TUMORS, MULTIPLE; VENOUS MALFORMATIONS WITH GLOMUS CELLS; Familial glomangioma. Identifiers: Orphanet 83454, MedGen C1841984, MONDO:0007672, OMIM 138000.

Allele frequency attached by ClinVar (database versions not stated): gnomAD 0.00060 and 0.00064; gnomAD exomes 0.00063 and 0.00069; ExAC 0.00067; TOPMed 0.00067; ESP Exome Variant Server 0.00108.
gnomAD v4.1: 1,016 of 1,611,780 alleles (0.063%); highest among the groups gnomAD compares: Middle Eastern, 0.43%; 1 homozygote.

Submissions (4):

Illumina Laboratory Services, Illumina
Classification: Benign for Glomuvenous malformation. Last evaluated: 2018-01-12. Review status: criteria provided, single submitter. Criteria: ICSL Variant Classification Criteria 13 December 2019. Collection method: clinical testing. Allele origin: germline.
Comment: This variant was observed in the ICSL laboratory as part of a predisposition screen in an ostensibly healthy population. It had not been previously curated by ICSL or reported in the Human Gene Mutation Database (HGMD: prior to June 1st, 2018), and was therefore a candidate for classification through an automated scoring system. Utilizing variant allele frequency, disease prevalence and penetrance estimates, and inheritance mode, an automated score was calculated to assess if this variant is too frequent to cause the disease. Based on the score and internal cut-off values, a variant classified as benign is not then subjected to further curation. The score for this variant resulted in a classification of benign for this disease.

Breakthrough Genomics
Classification: Benign. Review status: criteria provided, single submitter. Criteria: ACMG Guidelines, 2015. Collection method: not provided. Allele origin: germline. Inheritance: Autosomal dominant inheritance. Affected: yes.

Clinical Genetics DNA and cytogenetics Diagnostics Lab, Erasmus MC, Erasmus Medical Center
Classification: Likely benign. Review status: no assertion criteria provided. Collection method: clinical testing. Allele origin: germline. Affected: yes. Study: VKGL Data-share Consensus. Not counted in ClinVar's aggregate classification.

Laboratory of Diagnostic Genome Analysis, Leiden University Medical Center (LUMC)
Classification: Likely benign. Review status: no assertion criteria provided. Collection method: clinical testing. Allele origin: germline. Affected: yes. Study: VKGL Data-share Consensus. Not counted in ClinVar's aggregate classification.

NM_053274.3(GLMN):c.144T>G (p.Ile48Met)

Gene: GLMN (glomulin, FKBP associated protein; minus strand). Cytogenetic location: 1p22.1.
Variant type: single nucleotide variant.
Coding change: c.144T>G on transcript NM_053274.3 (MANE Select); coding-DNA position 144, T replaced by G.
Protein change: p.Ile48Met; replaces isoleucine 48 with methionine.
Molecular consequence: missense variant. On other transcripts: non-coding transcript variant (1).
Genome position (GRCh38, 1-based): chr1:92,297,425, A>C on the plus strand (T>G on the coding strand, the complement: GLMN is on the minus strand). VCF-style: chr1-92297425-A-C. GRCh37 (hg19) VCF-style: chr1-92762982-A-C.
Other names: c.144T>G, p.Ile48Met (NM_001319683.2); short protein forms I48M.
Identifiers: ClinVar variation 298149 (VCV000298149.8), dbSNP rs142032681, ClinGen allele CA950675.
Genomic context (GRCh38, chr1:92,297,425, plus strand): 5'-TTCCCAAGACTGAAAAGTAAACACCAAGATTGTACGCACCTTATTCTTTTCATTTTGAAT[A>C]ATTTCTAATAGCTGGTCTGTGTGCCCTTCTTCTATGCATCTTTGCCCAGCTAACTGAAAT-3'
Protein context (NP_444504.1, residues 38-58): EEGHTDQLLE[Ile48Met]IQNEKNKVII